The following is an entry in ClinVar:

NM_000051.4(ATM):c.1239A>G (p.Leu413=)

Gene: ATM (ATM serine/threonine kinase; plus strand). Cytogenetic location: 11q22.3.
Variant type: single nucleotide variant.
Coding change: c.1239A>G on transcript NM_000051.4 (MANE Select); coding-DNA position 1239, A replaced by G.
Protein change: p.Leu413=; no amino-acid change (leucine 413 retained).
Molecular consequence: synonymous variant.
Genome position (GRCh38, 1-based): chr11:108,250,704, A>G. VCF-style: chr11-108250704-A-G. GRCh37 (hg19) VCF-style: chr11-108121431-A-G.
Other names: c.1239A>G, p.Leu413= (NM_001351834.2).
Identifiers: ClinVar variation 3254449 (VCV003254449.2), dbSNP rs1171462233.

ClinVar aggregate classification (germline): Benign/Likely benign. Review status: criteria provided, multiple submitters, no conflicts (2 of 4 stars). 2 submissions from 2 submitters: Benign (1); Likely benign (1). Last evaluated 2024-04-26.

Conditions:
Hereditary cancer-predisposing syndrome. Also called: Hereditary Cancer Syndrome; Tumor predisposition; Hereditary neoplastic syndrome; Neoplastic Syndromes, Hereditary. Identifiers: Orphanet 140162, MedGen C0027672, MeSH D009386, MONDO:0015356.
Familial cancer of breast. Also called: BREAST CANCER, FAMILIAL; Hereditary breast cancer; hereditary breast carcinoma. Identifiers: Orphanet 227535, MedGen C0346153, MONDO:0016419, OMIM 114480. Disease mechanism: loss of function.

Allele frequency attached by ClinVar (database versions not stated): gnomAD 0.00001.
gnomAD v4.1: 1 of 1,581,254 alleles (0.000063%); highest among the groups gnomAD compares: South Asian, 0.0011%; no homozygotes.

Submissions (2):

Myriad Genetics, Inc.
Classification: Benign for Familial cancer of breast. Last evaluated: 2024-04-26. Review status: criteria provided, single submitter. Criteria: Myriad Autosomal Dominant, Autosomal Recessive and X-Linked Classification Criteria (2023). Collection method: clinical testing. Allele origin: unknown.
Comment: This variant is considered benign. This variant is a silent/synonymous amino acid change and it is not expected to impact splicing.

Ambry Genetics
Classification: Likely benign for Hereditary cancer-predisposing syndrome. Last evaluated: 2024-04-25. Review status: criteria provided, single submitter. Criteria: Ambry Variant Classification Scheme 2023. Collection method: clinical testing. Allele origin: germline.